The following is an entry in ClinVar:

ClinVar aggregate classification (germline): Uncertain significance (1 of 4 stars; one submission).

Allele frequency attached by ClinVar (database versions not stated): TOPMed below 0.00001.

Submission:

Labcorp Genetics (formerly Invitae), Labcorp
Classification: Uncertain significance. Last evaluated: 2024-10-22. Review status: criteria provided, single submitter. Criteria: Invitae Variant Classification Sherloc (09022015). Collection method: clinical testing. Allele origin: germline.
Comment: This sequence change replaces proline, which is neutral and non-polar, with leucine, which is neutral and non-polar, at codon 609 of the KLHL9 protein (p.Pro609Leu). This variant is not present in population databases (gnomAD no frequency). This variant has not been reported in the literature in individuals affected with KLHL9-related conditions. An algorithm developed to predict the effect of missense changes on protein structure and function (PolyPhen-2) suggests that this variant is likely to be tolerated. In summary, the available evidence is currently insufficient to determine the role of this variant in disease. Therefore, it has been classified as a Variant of Uncertain Significance.

NM_018847.4(KLHL9):c.1826C>T (p.Pro609Leu)

Gene: KLHL9 (kelch like family member 9; minus strand). Cytogenetic location: 9p21.3.
Variant type: single nucleotide variant.
Coding change: c.1826C>T on transcript NM_018847.4 (MANE Select); coding-DNA position 1826, C replaced by T.
Protein change: p.Pro609Leu; replaces proline 609 with leucine.
Molecular consequence: missense variant.
Genome position (GRCh38, 1-based): chr9:21,333,034, G>A on the plus strand (C>T on the coding strand, the complement: KLHL9 is on the minus strand). VCF-style: chr9-21333034-G-A. GRCh37 (hg19) VCF-style: chr9-21333033-G-A.
Other names: short protein forms P609L.
Identifiers: ClinVar variation 2787477 (VCV002787477.3), dbSNP rs1820201839, ClinGen allele CA373066100.
Genomic context (GRCh38, chr9:21,333,034, plus strand): 5'-ATGACGTACTGCAAAGGTGTTACACCTTAGACCTAAGAATGATCTGAAGGTGCTGAAAGA[G>A]GTGATTCTCTAGAAGGTGACCCAGGGTTTTCTTCAGGTGGAAAAACTGTGAGTGTACAGG-3'
Protein context (NP_061335.1, residues 599-617): ENPGSPSRES[Pro609Leu]LSAPSDHS